The following is an entry in ClinVar:

ClinVar aggregate classification (germline): Uncertain significance (1 of 4 stars; one submission).

Conditions:
Cardiovascular phenotype. Identifiers: MedGen CN230736.

Submission:

Ambry Genetics
Classification: Uncertain significance for Cardiovascular phenotype. Last evaluated: 2022-03-10. Review status: criteria provided, single submitter. Criteria: Ambry Variant Classification Scheme 2023. Collection method: clinical testing. Allele origin: germline.
Comment: The c.522dupC variant, located in coding exon 2 of the RBM20 gene, results from a duplication of C at nucleotide position 522, causing a translational frameshift with a predicted alternate stop codon (p.S175Qfs*56). This alteration is expected to result in premature protein truncation or nonsense-mediated mRNA decay. However, loss of function of RBM20 has not been clearly established as a mechanism of disease. Since supporting evidence is limited at this time, the clinical significance of this alteration remains unclear.

NM_001134363.3(RBM20):c.522dup (p.Ser175fs)

Gene: RBM20 (RNA binding motif protein 20; plus strand). Cytogenetic location: 10q25.2.
Variant type: Duplication.
Coding change: c.522dup on transcript NM_001134363.3 (MANE Select); coding-DNA position 522, one base duplicated (C; older notation c.522dupC).
Protein change: p.Ser175fs; shifts the reading frame from serine 175.
Molecular consequence: frameshift variant.
Genome position (GRCh38, 1-based): chr10:110,781,131, C duplicated; the last of 6 consecutive C bases (chr10:110,781,126-110,781,131); duplicating any one gives the same sequence. VCF-style (leftmost placement, unchanged base first): chr10-110781125-A-AC. GRCh37 (hg19) VCF-style: chr10-112540883-A-AC.
Other names: c.522dupC (NM_001134363.1); short protein forms S175fs.
Identifiers: ClinVar variation 1746212 (VCV001746212.2), dbSNP rs1844336329, ClinGen allele CA2497307411.